The following is an entry in ClinVar:

ClinVar aggregate classification (germline): Likely benign. Review status: criteria provided, multiple submitters, no conflicts (2 of 4 stars). 2 submissions from 2 submitters: Likely benign (2). Last evaluated 2022-09-01.

Conditions:
Generalized epilepsy with febrile seizures plus, type 9 (GEFSP9). Also called: GEFS+, TYPE 9. Identifiers: Orphanet 36387, MedGen C4015395, MONDO:0014517, OMIM 616172.

Allele frequency attached by ClinVar (database versions not stated): TOPMed below 0.00001; ExAC 0.00001; gnomAD exomes 0.00002.

Submissions (2):

CeGaT Center for Human Genetics Tuebingen
Classification: Likely benign. Last evaluated: 2022-09-01. Review status: criteria provided, single submitter. Criteria: CeGaT Center For Human Genetics Tuebingen Variant Classification Criteria Version 2. Collection method: clinical testing. Allele origin: germline. Affected: yes. Observed: 1 variant allele.
Comment: STX1B: BP4, BP7

Labcorp Genetics (formerly Invitae), Labcorp
Classification: Likely benign for Generalized epilepsy with febrile seizures plus, type 9. Last evaluated: 2022-07-25. Review status: criteria provided, single submitter. Criteria: Invitae Variant Classification Sherloc (09022015). Collection method: clinical testing. Allele origin: germline.

NM_052874.5(STX1B):c.174C>T (p.Ser58=)

Gene: STX1B (syntaxin 1B; minus strand). Cytogenetic location: 16p11.2.
Variant type: single nucleotide variant.
Coding change: c.174C>T on transcript NM_052874.5 (MANE Select); coding-DNA position 174, C replaced by T.
Protein change: p.Ser58=; no amino-acid change (serine 58 retained).
Molecular consequence: synonymous variant.
Genome position (GRCh38, 1-based): chr16:31,001,125, G>A on the plus strand (C>T on the coding strand, the complement: STX1B is on the minus strand). VCF-style: chr16-31001125-G-A. GRCh37 (hg19) VCF-style: chr16-31012446-G-A.
Identifiers: ClinVar variation 1653372 (VCV001653372.32), dbSNP rs370766953, ClinGen allele CA8018466.